The following is an entry in ClinVar:

NC_012920.1(MT-CYB):m.14963G>A

Gene: MT-CYB (mitochondrially encoded cytochrome b; plus strand).
Variant type: single nucleotide variant.
Genome position: chrM-14963-G-A.
Identifiers: ClinVar variation 693797 (VCV000693797.1), dbSNP rs1603224985, ClinGen allele CA913172574.

ClinVar aggregate classification (germline): Uncertain significance (1 of 4 stars; one submission).

Conditions:
Leigh syndrome (NULS). Also called: Leigh's necrotizing encephalopathy; Leigh's disease; Leigh's syndrome; LEIGH SYNDROME, NUCLEAR; Leigh Syndrome (mtDNA deletion); Leigh Disease. Identifiers: Orphanet 506, MedGen C2931891, MONDO:0009723, OMIM 256000.

Submission:

Wong Mito Lab, Molecular and Human Genetics, Baylor College of Medicine
Classification: Uncertain significance for Leigh syndrome. Last evaluated: 2019-10-17. Review status: criteria provided, single submitter. Criteria: Modified ACMG Guidelines (Unpublished). Collection method: clinical testing. Allele origin: germline.
Comment: The NC_012920.1:m.14963G>A (YP_003024038.1:p.Val73Met) variant in MTCYB gene is interpretated to be a Uncertain Significance variant based on the modified ACMG guidelines (unpublished). This variant meets the following evidence codes: PP4, PP6